The following is an entry in ClinVar:

ClinVar aggregate classification (germline): Uncertain significance (1 of 4 stars; one submission).

Conditions:
Autosomal recessive ataxia, Beauce type. Also called: SYNE1-Related Autosomal Recessive Cerebellar Ataxia; Spinocerebellar ataxia, autosomal recessive 8; ATAXIA, RECESSIVE, OF BEAUCE; SYNE1 Deficiency. Identifiers: Orphanet 88644, MedGen C1853116, MONDO:0012549, OMIM 610743.
Emery-Dreifuss muscular dystrophy 4, autosomal dominant (EDMD4). Also called: EMERY-DREIFUSS MUSCULAR DYSTROPHY 4 WITH VARIABLE FEATURES. Identifiers: Orphanet 261, MedGen C2751807, MONDO:0013071, OMIM 612998.

Allele frequency attached by ClinVar (database versions not stated): gnomAD exomes below 0.00001.
gnomAD v4.1: 1 of 1,614,156 alleles (0.000062%); highest among the groups gnomAD compares: Non-Finnish European, 0.000085%; no homozygotes.

Submission:

Labcorp Genetics (formerly Invitae), Labcorp
Classification: Uncertain significance for Emery-Dreifuss muscular dystrophy 4, autosomal dominant; Autosomal recessive ataxia, Beauce type. Last evaluated: 2023-04-14. Review status: criteria provided, single submitter. Criteria: Invitae Variant Classification Sherloc (09022015). Collection method: clinical testing. Allele origin: germline.
Comment: This variant has not been reported in the literature in individuals affected with SYNE1-related conditions. ClinVar contains an entry for this variant (Variation ID: 2142729). An algorithm developed to predict the effect of missense changes on protein structure and function (PolyPhen-2) suggests that this variant is likely to be tolerated. In summary, the available evidence is currently insufficient to determine the role of this variant in disease. Therefore, it has been classified as a Variant of Uncertain Significance. This sequence change replaces serine, which is neutral and polar, with asparagine, which is neutral and polar, at codon 2168 of the SYNE1 protein (p.Ser2168Asn). This variant is not present in population databases (gnomAD no frequency).

NM_182961.4(SYNE1):c.6482G>A (p.Ser2161Asn)

Gene: SYNE1 (spectrin repeat containing nuclear envelope protein 1; minus strand). Cytogenetic location: 6q25.2.
Variant type: single nucleotide variant.
Coding change: c.6482G>A on transcript NM_182961.4 (MANE Select); coding-DNA position 6482, G replaced by A.
Protein change: p.Ser2161Asn; replaces serine 2161 with asparagine.
Molecular consequence: missense variant.
Genome position (GRCh38, 1-based): chr6:152,409,126, C>T on the plus strand (G>A on the coding strand, the complement: SYNE1 is on the minus strand). VCF-style: chr6-152409126-C-T. GRCh37 (hg19) VCF-style: chr6-152730261-C-T.
Other names: c.6503G>A, p.Ser2168Asn (NM_033071.5); short protein forms S2168N, S2161N.
Identifiers: ClinVar variation 2142729 (VCV002142729.4), dbSNP rs2495663232, ClinGen allele CA366125651.